The following is an entry in ClinVar:

ClinVar aggregate classification (germline): Uncertain significance (1 of 4 stars; one submission).

Conditions:
Hereditary breast ovarian cancer syndrome. Also called: BRCA1- and BRCA2-Associated Hereditary Breast and Ovarian Cancer; Hereditary breast and ovarian cancer; Hereditary breast and ovarian cancer syndrome; Breast and ovarian cancer; Hereditary breast and/or ovarian cancer syndrome; Hereditary breast and ovarian cancer syndrome (HBOC). Identifiers: Orphanet 145, MedGen C0677776, MeSH D061325, MONDO:0003582. Disease mechanism: loss of function.

Submission:

Labcorp Genetics (formerly Invitae), Labcorp
Classification: Uncertain significance for Hereditary breast ovarian cancer syndrome. Last evaluated: 2023-05-22. Review status: criteria provided, single submitter. Criteria: Invitae Variant Classification Sherloc (09022015). Collection method: clinical testing. Allele origin: germline.
Comment: In summary, the available evidence is currently insufficient to determine the role of this variant in disease. Therefore, it has been classified as a Variant of Uncertain Significance. Experimental studies and prediction algorithms are not available or were not evaluated, and the functional significance of this variant is currently unknown. This variant has not been reported in the literature in individuals affected with BRCA1-related conditions. This variant results in a copy number gain of the genomic region encompassing exon(s) 2-21 of the BRCA1 gene. This region includes the initiator codon of the gene. This copy number gain extends beyond the assayed region for this gene and therefore may encompass additional genes. As the precise location of this event is unknown, it may be in tandem or it may be located elsewhere in the genome.

NC_000017.10:g.(?_41201132)_(41276119_?)dup

Gene: BRCA1 (BRCA1 DNA repair associated; minus strand). Cytogenetic location: 17q21.31.
Variant type: Duplication.
Identifiers: ClinVar variation 1011411 (VCV001011411.3).